The following is an entry in ClinVar:

NM_001567.4(INPPL1):c.3506C>A (p.Pro1169His)

Gene: INPPL1 (inositol polyphosphate phosphatase like 1; plus strand). Cytogenetic location: 11q13.4.
Variant type: single nucleotide variant.
Coding change: c.3506C>A on transcript NM_001567.4 (MANE Select); coding-DNA position 3506, C replaced by A.
Protein change: p.Pro1169His; replaces proline 1169 with histidine.
Molecular consequence: missense variant.
Genome position (GRCh38, 1-based): chr11:72,237,750, C>A. VCF-style: chr11-72237750-C-A. GRCh37 (hg19) VCF-style: chr11-71948794-C-A.
Other names: short protein forms P1169H.
Identifiers: ClinVar variation 728231 (VCV000728231.11), dbSNP rs374265585, ClinGen allele CA6170657.

ClinVar aggregate classification (germline): Conflicting classifications of pathogenicity. Review status: criteria provided, conflicting classifications (1 of 4 stars). 2 submissions from 2 submitters: Uncertain significance (1); Likely benign (1). Last evaluated 2026-01-18.

Allele frequency attached by ClinVar (database versions not stated): gnomAD 0.00005 and 0.00009; TOPMed 0.00011; ExAC 0.00023; gnomAD exomes 0.00023; 1000 Genomes Project 30x 0.00062; 1000 Genomes Project 0.00080.
gnomAD v4.1: 120 of 1,611,222 alleles (0.0074%); highest among the groups gnomAD compares: East Asian, 0.18%; no homozygotes.

Submissions (2):

Labcorp Genetics (formerly Invitae), Labcorp
Classification: Likely benign. Last evaluated: 2026-01-18. Review status: criteria provided, single submitter. Criteria: Invitae Variant Classification Sherloc (09022015). Collection method: clinical testing. Allele origin: germline.

GeneDx
Classification: Uncertain significance. Last evaluated: 2025-02-20. Review status: criteria provided, single submitter. Criteria: GeneDx Variant Classification Process June 2021. Collection method: clinical testing. Allele origin: germline. Affected: yes.
Comment: In silico analysis supports that this missense variant has a deleterious effect on protein structure/function; Has not been previously published as pathogenic or benign to our knowledge